The following is an entry in ClinVar:

ClinVar aggregate classification (germline): Uncertain significance (1 of 4 stars; one submission).

Conditions:
Autosomal recessive ataxia, Beauce type. Also called: Spinocerebellar ataxia, autosomal recessive 8; ATAXIA, RECESSIVE, OF BEAUCE; SYNE1 Deficiency; SYNE1-Related Autosomal Recessive Cerebellar Ataxia. Identifiers: Orphanet 88644, MedGen C1853116, MONDO:0012549, OMIM 610743.
Emery-Dreifuss muscular dystrophy 4, autosomal dominant (EDMD4). Also called: EMERY-DREIFUSS MUSCULAR DYSTROPHY 4 WITH VARIABLE FEATURES. Identifiers: Orphanet 261, MedGen C2751807, MONDO:0013071, OMIM 612998.

Allele frequency attached by ClinVar (database versions not stated): ExAC 0.00001; gnomAD exomes 0.00001; TOPMed 0.00002.
gnomAD v4.1: 9 of 1,614,032 alleles (0.00056%); highest among the groups gnomAD compares: Non-Finnish European, 0.00068%; no homozygotes.

Submission:

Labcorp Genetics (formerly Invitae), Labcorp
Classification: Uncertain significance for Emery-Dreifuss muscular dystrophy 4, autosomal dominant; Autosomal recessive ataxia, Beauce type. Last evaluated: 2020-02-10. Review status: criteria provided, single submitter. Criteria: Invitae Variant Classification Sherloc (09022015). Collection method: clinical testing. Allele origin: germline.
Comment: This variant is present in population databases (rs751191478, ExAC 0.001%). This variant has not been reported in the literature in individuals with SYNE1-related disease. Algorithms developed to predict the effect of missense changes on protein structure and function (SIFT, PolyPhen-2, Align-GVGD) all suggest that this variant is likely to be disruptive, but these predictions have not been confirmed by published functional studies and their clinical significance is uncertain. In summary, the available evidence is currently insufficient to determine the role of this variant in disease. Therefore, it has been classified as a Variant of Uncertain Significance. This sequence change replaces arginine with glutamine at codon 3577 of the SYNE1 protein (p.Arg3577Gln). The arginine residue is highly conserved and there is a small physicochemical difference between arginine and glutamine.

NM_182961.4(SYNE1):c.10709G>A (p.Arg3570Gln)

Gene: SYNE1 (spectrin repeat containing nuclear envelope protein 1; minus strand). Cytogenetic location: 6q25.2.
Variant type: single nucleotide variant.
Coding change: c.10709G>A on transcript NM_182961.4 (MANE Select); coding-DNA position 10709, G replaced by A.
Protein change: p.Arg3570Gln; replaces arginine 3570 with glutamine.
Molecular consequence: missense variant.
Genome position (GRCh38, 1-based): chr6:152,354,876, C>T on the plus strand (G>A on the coding strand, the complement: SYNE1 is on the minus strand). VCF-style: chr6-152354876-C-T. GRCh37 (hg19) VCF-style: chr6-152676011-C-T.
Other names: c.10730G>A, p.Arg3577Gln (NM_033071.5); short protein forms R3570Q, R3577Q.
Identifiers: ClinVar variation 643385 (VCV000643385.10), dbSNP rs751191478, ClinGen allele CA4056890.